The following is an entry in ClinVar:

NM_001372.4(DNAH9):c.2282T>C (p.Val761Ala)

Gene: DNAH9 (dynein axonemal heavy chain 9; plus strand). Cytogenetic location: 17p12.
Variant type: single nucleotide variant.
Coding change: c.2282T>C on transcript NM_001372.4 (MANE Select); coding-DNA position 2282, T replaced by C.
Protein change: p.Val761Ala; replaces valine 761 with alanine.
Molecular consequence: missense variant.
Genome position (GRCh38, 1-based): chr17:11,651,253, T>C. VCF-style: chr17-11651253-T-C. GRCh37 (hg19) VCF-style: chr17-11554570-T-C.
Other names: short protein forms V761A.
Identifiers: ClinVar variation 2970187 (VCV002970187.2), dbSNP rs1276466433, ClinGen allele CA398176246.

ClinVar aggregate classification (germline): Uncertain significance (1 of 4 stars; one submission).

Allele frequency attached by ClinVar (database versions not stated): TOPMed below 0.00001; gnomAD 0.00001; gnomAD exomes 0.00001.
gnomAD v4.1: 6 of 1,613,874 alleles (0.00037%); highest among the groups gnomAD compares: East Asian, 0.011%; no homozygotes.

Submission:

Labcorp Genetics (formerly Invitae), Labcorp
Classification: Uncertain significance. Last evaluated: 2025-01-23. Review status: criteria provided, single submitter. Criteria: Invitae Variant Classification Sherloc (09022015). Collection method: clinical testing. Allele origin: germline.
Comment: This sequence change replaces valine, which is neutral and non-polar, with alanine, which is neutral and non-polar, at codon 761 of the DNAH9 protein (p.Val761Ala). This variant is present in population databases (no rsID available, gnomAD 0.006%). This variant has not been reported in the literature in individuals affected with DNAH9-related conditions. ClinVar contains an entry for this variant (Variation ID: 2970187). An algorithm developed to predict the effect of missense changes on protein structure and function (PolyPhen-2) suggests that this variant is likely to be disruptive. In summary, the available evidence is currently insufficient to determine the role of this variant in disease. Therefore, it has been classified as a Variant of Uncertain Significance.